The following is an entry in ClinVar:

ClinVar aggregate classification (germline): Uncertain significance (1 of 4 stars; one submission).

Submission:

Labcorp Genetics (formerly Invitae), Labcorp
Classification: Uncertain significance. Last evaluated: 2021-02-26. Review status: criteria provided, single submitter. Criteria: Invitae Variant Classification Sherloc (09022015). Collection method: clinical testing. Allele origin: germline.
Comment: In summary, the available evidence is currently insufficient to determine the role of this variant in disease. Therefore, it has been classified as a Variant of Uncertain Significance. Algorithms developed to predict the effect of missense changes on protein structure and function are either unavailable or do not agree on the potential impact of this missense change (SIFT: "Deleterious"; PolyPhen-2: "Probably Damaging"; Align-GVGD: "Class C15"). This variant has not been reported in the literature in individuals with MKL1-related conditions. This variant is not present in population databases (ExAC no frequency). This sequence change replaces aspartic acid with glycine at codon 816 of the MKL1 protein (p.Asp816Gly). The aspartic acid residue is highly conserved and there is a moderate physicochemical difference between aspartic acid and glycine.

NM_020831.6(MRTFA):c.2747A>G (p.Asp916Gly)

Gene: MRTFA (myocardin related transcription factor A; minus strand). Cytogenetic location: 22q13.1.
Variant type: single nucleotide variant.
Coding change: c.2747A>G on transcript NM_020831.6 (MANE Select); coding-DNA position 2747, A replaced by G.
Protein change: p.Asp916Gly; replaces aspartic acid 916 with glycine.
Molecular consequence: missense variant. On other transcripts: 3 prime UTR variant (1).
Genome position (GRCh38, 1-based): chr22:40,411,739, T>C on the plus strand (A>G on the coding strand, the complement: MRTFA is on the minus strand). VCF-style: chr22-40411739-T-C. GRCh37 (hg19) VCF-style: chr22-40807743-T-C.
Other names: c.2447A>G, p.Asp816Gly (NM_001282660.2); c.2597A>G, p.Asp866Gly (NM_001282661.3); c.*60A>G (NM_001282662.3); c.2552A>G, p.Asp851Gly (NM_001318139.2); short protein forms D816G, D851G, D866G, D916G.
Identifiers: ClinVar variation 1682926 (VCV001682926.8), dbSNP rs2147048001, ClinGen allele CA411653692.